The following is an entry in ClinVar:

ClinVar aggregate classification (germline): Likely benign (0 of 4 stars; one submission).

Conditions:
MMUT-related disorder. Also called: MMUT-related condition.

Submission:

PreventionGenetics, part of Exact Sciences
Classification: Likely benign for MMUT-related condition. Last evaluated: 2019-04-25. Review status: no assertion criteria provided. Collection method: clinical testing. Allele origin: germline.
Comment: This variant is classified as likely benign based on ACMG/AMP sequence variant interpretation guidelines (Richards et al. 2015 PMID: 25741868, with internal and published modifications).

NM_000255.4(MMUT):c.754-8_754-7dup

Gene: MMUT (methylmalonyl-CoA mutase; minus strand). Cytogenetic location: 6p12.3.
Variant type: Duplication.
Coding change: c.754-8_754-7dup on transcript NM_000255.4 (MANE Select); 8 bases into the intron before coding-DNA position 754 through 7 bases into the intron before coding-DNA position 754, 2 bases duplicated (TT; older notation c.754-8_754-7dupTT).
Molecular consequence: intron variant.
Genome position (GRCh38, 1-based): chr6:49,456,244-49,456,245, AA duplicated on the plus strand (TT on the coding strand, the reverse complement: MMUT is on the minus strand); duplicating any 2 consecutive bases within chr6:49,456,244-49,456,254 gives the same sequence; the c. name uses the placement nearest the transcript's 3' end. VCF-style (leftmost placement, unchanged base first): chr6-49456243-T-TAA. GRCh37 (hg19) VCF-style: chr6-49423956-T-TAA.
Identifiers: ClinVar variation 3058225 (VCV003058225.2), dbSNP rs750770186, ClinGen allele CA567156042.